The following is an entry in ClinVar:

ClinVar aggregate classification (germline): Uncertain significance (1 of 4 stars; one submission).

Allele frequency attached by ClinVar (database versions not stated): gnomAD 0.00001; TOPMed 0.00001.
gnomAD v4.1: 1 of 1,613,788 alleles (0.000062%); highest among the groups gnomAD compares: African/African-American, 0.0013%; no homozygotes.

Submission:

Labcorp Genetics (formerly Invitae), Labcorp
Classification: Uncertain significance. Last evaluated: 2022-01-17. Review status: criteria provided, single submitter. Criteria: Invitae Variant Classification Sherloc (09022015). Collection method: clinical testing. Allele origin: germline.
Comment: In summary, the available evidence is currently insufficient to determine the role of this variant in disease. Therefore, it has been classified as a Variant of Uncertain Significance. Algorithms developed to predict the effect of missense changes on protein structure and function output the following: SIFT: "Tolerated"; PolyPhen-2: "Probably Damaging"; Align-GVGD: "Class C0". The asparagine amino acid residue is found in multiple mammalian species, which suggests that this missense change does not adversely affect protein function. This variant has not been reported in the literature in individuals affected with CD46-related conditions. This variant is not present in population databases (gnomAD no frequency). This sequence change replaces serine, which is neutral and polar, with asparagine, which is neutral and polar, at codon 217 of the CD46 protein (p.Ser217Asn).

NM_172351.3(CD46):c.650G>A (p.Ser217Asn)

Gene: CD46 (CD46 molecule; plus strand). Cytogenetic location: 1q32.2.
Variant type: single nucleotide variant.
Coding change: c.650G>A on transcript NM_172351.3 (MANE Select); coding-DNA position 650, G replaced by A.
Protein change: p.Ser217Asn; replaces serine 217 with asparagine.
Molecular consequence: missense variant.
Genome position (GRCh38, 1-based): chr1:207,761,423, G>A. VCF-style: chr1-207761423-G-A. GRCh37 (hg19) VCF-style: chr1-207934768-G-A.
Other names: c.650G>A, p.Ser217Asn (NM_002389.4, NM_153826.4, NM_172350.3 and 8 more transcripts); short protein forms S217N.
Identifiers: ClinVar variation 1950969 (VCV001950969.5), dbSNP rs1266540901, ClinGen allele CA344549587.